The following is an entry in ClinVar:

NM_000260.4(MYO7A):c.5138C>T (p.Thr1713Met)

Gene: MYO7A (myosin VIIA; plus strand). Cytogenetic location: 11q13.5.
Variant type: single nucleotide variant.
Coding change: c.5138C>T on transcript NM_000260.4 (MANE Select); coding-DNA position 5138, C replaced by T.
Protein change: p.Thr1713Met; replaces threonine 1713 with methionine.
Molecular consequence: missense variant.
Genome position (GRCh38, 1-based): chr11:77,202,394, C>T. VCF-style: chr11-77202394-C-T. GRCh37 (hg19) VCF-style: chr11-76913439-C-T.
Other names: c.5138C>T (NM_000260.3); c.4991C>T, p.Thr1664Met (NM_001369365.1); c.5024C>T, p.Thr1675Met (NM_001127180.2); short protein forms T1664M, T1675M, T1713M.
Identifiers: ClinVar variation 1016632 (VCV001016632.12), dbSNP rs751716334, ClinGen allele CA6198631.
Genomic context (GRCh38, chr11:77,202,394, plus strand): 5'-ACGTTGTCCGGCTCTTGCAGCTGCGAACGGCGGAGCCCGAGGTGCGTGCCAAGCCCTACA[C>T]GCTGGAGGAGTTTTCCTATGACTACTTCAGGTGATGCCTCCTGGGGAAGGATGGGAGCCA-3'
Protein context (NP_000251.3, residues 1703-1723): AEPEVRAKPY[Thr1713Met]LEEFSYDYFR

ClinVar aggregate classification (germline): Uncertain significance. Review status: criteria provided, multiple submitters, no conflicts (2 of 4 stars). 5 submissions from 5 submitters: Uncertain significance (4). 1 of the submissions does not count toward it. Last evaluated 2025-08-09.

Conditions:
Usher syndrome type 1B (USH1B). Also called: Usher syndrome type IB. Identifiers: MedGen C1848638, MONDO:0700087.
MYO7A-related disorder. Also called: MYO7A-related disorders.
Inborn genetic diseases. Identifiers: MedGen C0950123, MeSH D030342.

Allele frequency attached by ClinVar (database versions not stated): gnomAD 0.00001; gnomAD exomes 0.00002; ExAC 0.00009.
gnomAD v4.1: 26 of 1,554,442 alleles (0.0017%); highest among the groups gnomAD compares: South Asian, 0.0048%; no homozygotes.

Submissions (5):

PreventionGenetics, part of Exact Sciences
Classification: Uncertain significance for MYO7A-related condition. Last evaluated: 2025-08-09. Review status: criteria provided, single submitter. Criteria: ACMG Guidelines, 2015. Collection method: clinical testing. Allele origin: germline.
Comment: The MYO7A c.5138C>T variant is predicted to result in the amino acid substitution p.Thr1713Met. This variant has been reported in two individual with autosomal dominant hearing loss (Watanabe et al. 2024. PubMed ID: 38594301; Supplementary table 2, Usami et al. 2021. PubMed ID: 34599366). This variant is reported in 0.013% of alleles in individuals of South Asian descent in gnomAD. At this time, the clinical significance of this variant is uncertain due to the absence of conclusive functional and genetic evidence.

Labcorp Genetics (formerly Invitae), Labcorp
Classification: Uncertain significance. Last evaluated: 2025-05-05. Review status: criteria provided, single submitter. Criteria: Invitae Variant Classification Sherloc (09022015). Collection method: clinical testing. Allele origin: germline.
Comment: This sequence change replaces threonine, which is neutral and polar, with methionine, which is neutral and non-polar, at codon 1713 of the MYO7A protein (p.Thr1713Met). The frequency data for this variant in the population databases is considered unreliable, as metrics indicate poor data quality at this position in the gnomAD database. This missense change has been observed in individual(s) with deafness (PMID: 38594301). ClinVar contains an entry for this variant (Variation ID: 1016632). Invitae Evidence Modeling of protein sequence and biophysical properties (such as structural, functional, and spatial information, amino acid conservation, physicochemical variation, residue mobility, and thermodynamic stability) indicates that this missense variant is expected to disrupt MYO7A protein function with a positive predictive value of 95%. In summary, the available evidence is currently insufficient to determine the role of this variant in disease. Therefore, it has been classified as a Variant of Uncertain Significance.

Ambry Genetics
Classification: Uncertain significance for Inborn genetic diseases. Last evaluated: 2021-09-14. Review status: criteria provided, single submitter. Criteria: Ambry Variant Classification Scheme 2023. Collection method: clinical testing. Allele origin: germline.

Blueprint Genetics
Classification: Uncertain significance. Last evaluated: 2019-05-03. Review status: criteria provided, single submitter. Criteria: ACMG Guidelines, 2015. Collection method: clinical testing. Allele origin: germline.

Natera, Inc.
Classification: Uncertain significance for Usher syndrome type 1B. Last evaluated: 2020-01-27. Review status: no assertion criteria provided. Collection method: clinical testing. Allele origin: germline. Not counted in ClinVar's aggregate classification.

Literature cited by the submitters: PubMed 38594301 (cited by Labcorp Genetics (formerly Invitae), Labcorp).